The following is an entry in ClinVar:

NM_001903.5(CTNNA1):c.1088C>A (p.Ala363Glu)

Gene: CTNNA1 (catenin alpha 1; plus strand). Cytogenetic location: 5q31.2.
Variant type: single nucleotide variant.
Coding change: c.1088C>A on transcript NM_001903.5 (MANE Select); coding-DNA position 1088, C replaced by A.
Protein change: p.Ala363Glu; replaces alanine 363 with glutamic acid.
Molecular consequence: missense variant. On other transcripts: 5 prime UTR variant (26), intron variant (2).
Genome position (GRCh38, 1-based): chr5:138,886,237, C>A. VCF-style: chr5-138886237-C-A. GRCh37 (hg19) VCF-style: chr5-138221926-C-A.
Other names: c.1088C>A, p.Ala363Glu (NM_001290307.3, NM_001323982.2, NM_001323983.1 and 3 more transcripts); c.779C>A, p.Ala260Glu (NM_001290309.3); c.719C>A, p.Ala240Glu (NM_001290310.3); c.-23C>A (NM_001290312.1, NM_001323987.1, NM_001323988.1 and 18 more transcripts); c.-420C>A (NM_001324006.1, NM_001324007.1, NM_001324008.1 and 1 more transcripts); c.-295C>A (NM_001324013.1); c.-58+10640C>A (NM_001324012.1); c.-61+10640C>A (NM_001324010.1); short protein forms A240E, A363E, A260E.
Identifiers: ClinVar variation 2978838 (VCV002978838.3), dbSNP rs1215283244, ClinGen allele CA361132523.

ClinVar aggregate classification (germline): Uncertain significance (1 of 4 stars; one submission).

gnomAD v4.1: 1 of 1,611,064 alleles (0.000062%); highest among the groups gnomAD compares: Non-Finnish European, 0.000085%; no homozygotes.

Submission:

Labcorp Genetics (formerly Invitae), Labcorp
Classification: Uncertain significance. Last evaluated: 2025-03-04. Review status: criteria provided, single submitter. Criteria: Invitae Variant Classification Sherloc (09022015). Collection method: clinical testing. Allele origin: germline.
Comment: This sequence change replaces alanine, which is neutral and non-polar, with glutamic acid, which is acidic and polar, at codon 363 of the CTNNA1 protein (p.Ala363Glu). This variant is not present in population databases (gnomAD no frequency). This variant has not been reported in the literature in individuals affected with CTNNA1-related conditions. ClinVar contains an entry for this variant (Variation ID: 2978838). Invitae Evidence Modeling of protein sequence and biophysical properties (such as structural, functional, and spatial information, amino acid conservation, physicochemical variation, residue mobility, and thermodynamic stability) indicates that this missense variant is not expected to disrupt CTNNA1 protein function with a negative predictive value of 80%. In summary, the available evidence is currently insufficient to determine the role of this variant in disease. Therefore, it has been classified as a Variant of Uncertain Significance.